The following is an entry in ClinVar:

NM_005236.3(ERCC4):c.2177G>A (p.Arg726His)

Gene: ERCC4 (ERCC excision repair 4, endonuclease catalytic subunit; plus strand). Cytogenetic location: 16p13.12.
Variant type: single nucleotide variant.
Coding change: c.2177G>A on transcript NM_005236.3 (MANE Select); coding-DNA position 2177, G replaced by A.
Protein change: p.Arg726His; replaces arginine 726 with histidine.
Molecular consequence: missense variant.
Genome position (GRCh38, 1-based): chr16:13,947,773, G>A. VCF-style: chr16-13947773-G-A. GRCh37 (hg19) VCF-style: chr16-14041630-G-A.
Other names: short protein forms R726H.
Identifiers: ClinVar variation 658680 (VCV000658680.6), dbSNP rs368096448, ClinGen allele CA7910695.
Genomic context (GRCh38, chr16:13,947,773, plus strand): 5'-TTGAACCCGTGACTTTAGAGGTTGGAGATTACATCCTCACTCCAGAAATGTGCGTGGAGC[G>A]CAAGAGTATCAGTGATTTAATCGGCTCTTTAAATAACGGCCGCCTCTACAGCCAGTGCAT-3'
Protein context (NP_005227.1, residues 716-736): YILTPEMCVE[Arg726His]KSISDLIGSL

ClinVar aggregate classification (germline): Uncertain significance (1 of 4 stars; one submission).

Conditions:
Xeroderma pigmentosum, group F (XPF). Also called: ERCC4-Related Xeroderma Pigmentosum; XERODERMA PIGMENTOSUM VI; XP, GROUP F; XERODERMA PIGMENTOSUM, COMPLEMENTATION GROUP F; XERODERMA PIGMENTOSUM, TYPE F; Xeroderma pigmentosum, type 6. Identifiers: MedGen C0268140, MONDO:0010215, OMIM 278760.
Cockayne syndrome. Identifiers: Orphanet 191, MedGen C0009207, MONDO:0016006.
Fanconi anemia complementation group Q. Identifiers: Orphanet 84, MedGen C3808988, MONDO:0014108, OMIM 615272.

Allele frequency attached by ClinVar (database versions not stated): TOPMed 0.00003; ESP Exome Variant Server 0.00008.
gnomAD v4.1: 50 of 1,614,106 alleles (0.0031%); highest among the groups gnomAD compares: Admixed American, 0.0067%; no homozygotes.

Submission:

Labcorp Genetics (formerly Invitae), Labcorp
Classification: Uncertain significance for Fanconi anemia complementation group Q; Xeroderma pigmentosum, group F; Cockayne syndrome. Last evaluated: 2022-08-10. Review status: criteria provided, single submitter. Criteria: Invitae Variant Classification Sherloc (09022015). Collection method: clinical testing. Allele origin: germline.
Comment: This sequence change replaces arginine, which is basic and polar, with histidine, which is basic and polar, at codon 726 of the ERCC4 protein (p.Arg726His). This variant is present in population databases (rs368096448, gnomAD 0.009%). This variant has not been reported in the literature in individuals affected with ERCC4-related conditions. ClinVar contains an entry for this variant (Variation ID: 658680). Algorithms developed to predict the effect of missense changes on protein structure and function (SIFT, PolyPhen-2, Align-GVGD) all suggest that this variant is likely to be disruptive. In summary, the available evidence is currently insufficient to determine the role of this variant in disease. Therefore, it has been classified as a Variant of Uncertain Significance.